The following is an entry in ClinVar:

NM_002303.6(LEPR):c.2612T>G (p.Phe871Cys)

Gene: LEPR (leptin receptor; plus strand). Cytogenetic location: 1p31.3.
Variant type: single nucleotide variant.
Coding change: c.2612T>G on transcript NM_002303.6 (MANE Select); coding-DNA position 2612, T replaced by G.
Protein change: p.Phe871Cys; replaces phenylalanine 871 with cysteine.
Molecular consequence: missense variant.
Genome position (GRCh38, 1-based): chr1:65,622,920, T>G. VCF-style: chr1-65622920-T-G. GRCh37 (hg19) VCF-style: chr1-66088603-T-G.
Other names: c.2612T>G, p.Phe871Cys (NM_001003679.3, NM_001003680.3, NM_001198687.2 and 2 more transcripts); short protein forms F871C.
Identifiers: ClinVar variation 4994865 (VCV004994865.1).

ClinVar aggregate classification (germline): Uncertain significance (1 of 4 stars; one submission).

Conditions:
LEPR-related disorder. Also called: LEPR-related condition; LEPR-related disorders.

Submission:

PreventionGenetics, part of Exact Sciences
Classification: Uncertain significance for LEPR-related condition. Last evaluated: 2026-02-23. Review status: criteria provided, single submitter. Criteria: ACMG Guidelines, 2015. Collection method: clinical testing. Allele origin: germline.
Comment: The LEPR c.2612T>G variant is predicted to result in the amino acid substitution p.Phe871Cys. This variant was observed in a cohort of individuals with obesity, and in vitro functional studies showed function similar to wild-type levels (Supplemental Data Set, Shah et al. 2023. PubMed ID: 36864747). To our knowledge, this variant has not been reported in the literature or in a large population database (gnomAD), indicating this variant is rare. At this time, the clinical significance of this variant is uncertain due to the absence of conclusive functional and genetic evidence.